The following is an entry in ClinVar:

ClinVar aggregate classification (germline): Pathogenic (1 of 4 stars; one submission).

Submission:

Athena Diagnostics
Classification: Pathogenic. Last evaluated: 2023-11-29. Review status: criteria provided, single submitter. Criteria: Athena Diagnostics Criteria. Collection method: clinical testing. Allele origin: unknown.
Comment: This variant is expected to result in the loss of a functional protein. A similar deletion of exon 44 has been identified in multiple unrelated individuals presenting with Duchenne muscular dystrophy (DMD). Similar variants have not been reported in large, multi-ethnic general populations (Genome Aggregation Database (gnomAD), Cambridge, MA (URL)).

Literature cited by the submitters: PubMed 15723292; PubMed 29631625; PubMed 31705731; PubMed 32194622; PubMed 32358784; PubMed 33238405; PubMed 36315559; PubMed 36361501; PubMed 35501714; PubMed 34297739; PubMed 30854433; PubMed 33644936; PubMed 9800909; PubMed 21354051; PubMed 23299919; PubMed 25434822; PubMed 25244321; PubMed 22894145; PubMed 19449031; PubMed 18752307.

Single allele

Gene: DMD (dystrophin; minus strand). Cytogenetic location: Xp21.1.
Variant type: Deletion.
Identifiers: ClinVar variation 1256417 (VCV001256417.4).